The following continues an entry in ClinVar:

NM_000256.3(MYBPC3):c.1224-52G>A

Gene: MYBPC3. ClinVar aggregate classification (germline): Pathogenic/Likely pathogenic. Pathogenic (20); Likely pathogenic (3).

Submissions 22 to 23 of 23:

GeneDx
Classification: Pathogenic. Last evaluated: 2021-11-03. Review status: criteria provided, single submitter. Criteria: GeneDx Variant Classification Process June 2021. Collection method: clinical testing. Allele origin: germline. Affected: yes.
Comment: Not observed at a significant frequency in large population cohorts (Lek et al., 2016); Non-canonical splice site variant demonstrated to result in loss-of-function (Bagnall et al., 2018); Reported in ClinVar (ClinVar Variant ID# 188544 ; Landrum et al., 2016); This variant is associated with the following publications: (PMID: 30025578, 32163302, 32543992, 32396390, 33657327, 33673806, 33724884)

Agnes Ginges Centre for Molecular Cardiology, Centenary Institute
Classification: Likely pathogenic for Hypertrophic cardiomyopathy 4. Last evaluated: 2018-07-11. Review status: criteria provided, single submitter. Criteria: ACMG Guidelines, 2015. Collection method: research. Allele origin: germline. Inheritance: Autosomal dominant inheritance. Affected: yes.
Comment: MYBPC3 c.1224-52G>A has been identified previously by another laboratory in a control sample (Genetics Diagnostic Laboratory, CHEO, ClinVar:SCV000219698.2). We identified this variant in two HCM probands, and for one family it was found to segregate to one first-degree family member (Bagnall et al., 2018). This variant is present at a low frequency in the Genome Aggregation Database (MAF=0.00003), and is absent in Bravo. Splice prediction tools SpliceSiteFinder, MaxEntScan and NNsplice all predict the variant disrupts splicing. RNA studies showed that this variant results in the creation of a new acceptor site which causes an additional 50 base pairs to be spliced in with exon 14, this would cause a shift in the reading frame downstream and consequently a premature stop codon (Bagnall RD et al., 2018). Based on the adapted ACMG guidelines (Kelly et al., 2018), RNA studies show this variant results altered splicing (PS3), the variant is rare in the general population (PM2), and has been identified in at least 2 HCM probands, therefore we classify MYBPC3 c.12224-52G>A as 'likely pathogenic'.

Literature cited by the submitters: PubMed 30025578 (cited by 15 submitters); PubMed 32163302 (cited by 13 submitters); PubMed 32396390 (cited by 10 submitters); PubMed 36980931 (cited by 4 submitters); PubMed 32841044 (cited by Victorian Clinical Genetics Services, Murdoch Childrens Research Institute and Mayo Clinic Laboratories, Mayo Clinic); PubMed 35508642 (cited by 5 submitters); PubMed 33657327 (cited by 6 submitters); PubMed 35288587 (cited by 4 submitters); PubMed 22820391 (cited by Variantyx, Inc.); PubMed 23816408 (cited by Variantyx, Inc.); PubMed 32973354 (cited by Variantyx, Inc.); PubMed 19574547 (cited by Variantyx, Inc.); PubMed 7493025 (cited by Variantyx, Inc.); PubMed 35653365 (cited by Mayo Clinic Laboratories, Mayo Clinic); PubMed 37652022 (cited by Mayo Clinic Laboratories, Mayo Clinic); PubMed 38489124 (cited by 3 submitters); 32163302 (cited by Rady Children's Institute for Genomic Medicine, Rady Children's Hospital San Diego); 32396390 (cited by Rady Children's Institute for Genomic Medicine, Rady Children's Hospital San Diego); 33657327 (cited by Rady Children's Institute for Genomic Medicine, Rady Children's Hospital San Diego); 36980931 (cited by Rady Children's Institute for Genomic Medicine, Rady Children's Hospital San Diego).